The following is an entry in ClinVar:

ClinVar aggregate classification (germline): not provided (0 of 4 stars; one submission).

Conditions:
Familial long QT syndrome (RWS). Also called: Congenital long QT syndrome; Romano-Ward syndrome; VENTRICULAR FIBRILLATION WITH PROLONGED QT INTERVAL. Identifiers: Orphanet 768, MedGen C1141890, MONDO:0019171.

Submission:

Cardiovascular Biomedical Research Unit, Royal Brompton & Harefield NHS Foundation Trust
No classification provided. Condition: Familial long QT syndrome. Review status: no classification provided. Collection method: literature only. Allele origin: germline.
Comment: This variant has been reported as associated with Long QT syndrome in the following publications (PMID:16414944). This is a literature report, and does not necessarily reflect the clinical interpretation of the Imperial College / Royal Brompton Cardiovascular Genetics laboratory.

Literature cited by the submitters: PubMed 16414944; PubMed 22581653.

NM_000218.3(KCNQ1):c.1115C>A (p.Ala372Asp)

Gene: KCNQ1 (potassium voltage-gated channel subfamily Q member 1; plus strand). Cytogenetic location: 11p15.5.
Variant type: single nucleotide variant.
Coding change: c.1115C>A on transcript NM_000218.3 (MANE Select); coding-DNA position 1115, C replaced by A.
Protein change: p.Ala372Asp; replaces alanine 372 with aspartic acid.
Molecular consequence: missense variant.
Genome position (GRCh38, 1-based): chr11:2,585,294, C>A. VCF-style: chr11-2585294-C-A. GRCh37 (hg19) VCF-style: chr11-2606524-C-A.
Other names: c.1115C>A (LRG_287t1); c.845C>A, p.Ala282Asp (NM_001406837.1); c.734C>A, p.Ala245Asp (NM_181798.2); short protein forms A372D, A245D, A282D.
Identifiers: ClinVar variation 52960 (VCV000052960.3), dbSNP rs199473472, ClinGen allele CA005309.